The following is an entry in ClinVar:

NM_014874.4(MFN2):c.708+1G>A

Gene: MFN2 (mitofusin 2; plus strand). Cytogenetic location: 1p36.22.
Variant type: single nucleotide variant.
Coding change: c.708+1G>A on transcript NM_014874.4 (MANE Select); the canonical splice donor site of the intron after coding-DNA position 708, G replaced by A.
Molecular consequence: splice donor variant.
Genome position (GRCh38, 1-based): chr1:11,998,879, G>A. VCF-style: chr1-11998879-G-A. GRCh37 (hg19) VCF-style: chr1-12058936-G-A.
Other names: c.708+1G>A (NM_001127660.2).
Identifiers: ClinVar variation 842249 (VCV000842249.9), dbSNP rs1639048523, ClinGen allele CA338438673.
Genomic context (GRCh38, chr1:11,998,879, plus strand): 5'-TGTCTGGATGCTGATGTGTTTGTGCTGGTGGCCAACTCAGAGTCCACCCTGATGCAGACG[G>A]TAACTCCTCCTCTGCCTTCTCCCAAGCTCCCAGCACCCCCTGGGCAGGCAGCTGATGGGG-3'

ClinVar aggregate classification (germline): Likely pathogenic (1 of 4 stars; one submission).

Conditions:
Charcot-Marie-Tooth disease type 2. Also called: Charcot-Marie-Tooth type 2. Identifiers: Orphanet 64746, MedGen C0270914, MONDO:0018993.

Submissions (2):

Labcorp Genetics (formerly Invitae), Labcorp
Classification: Likely pathogenic for Charcot-Marie-Tooth disease type 2. Last evaluated: 2023-06-30. Review status: criteria provided, single submitter. Criteria: Invitae Variant Classification Sherloc (09022015). Collection method: clinical testing. Allele origin: germline.
Comment: This sequence change affects a donor splice site in intron 7 of the MFN2 gene. It is expected to disrupt RNA splicing. Variants that disrupt the donor or acceptor splice site typically lead to a loss of protein function (PMID: 16199547), and loss-of-function variants in MFN2 are known to be pathogenic (PMID: 16714318, 16835246, 21715711, 23781337, 26955893). This variant is not present in population databases (gnomAD no frequency). This variant has not been reported in the literature in individuals affected with MFN2-related conditions. ClinVar contains an entry for this variant (Variation ID: 842249). Algorithms developed to predict the effect of sequence changes on RNA splicing suggest that this variant may disrupt the consensus splice site. In summary, the currently available evidence indicates that the variant is pathogenic, but additional data are needed to prove that conclusively. Therefore, this variant has been classified as Likely Pathogenic.

Dr. Peter K. Rogan Lab, Western University
No classification provided (evidence only). Condition: Uterine corpus endometrial carcinoma. Review status: no classification provided. Collection method: in vitro. Allele origin: not applicable. Functional consequence: retained intron. Not counted in ClinVar's aggregate classification.

Literature cited by the submitters: PubMed 16199547 (cited by Labcorp Genetics (formerly Invitae), Labcorp); PubMed 16714318 (cited by Labcorp Genetics (formerly Invitae), Labcorp); PubMed 16835246 (cited by Labcorp Genetics (formerly Invitae), Labcorp); PubMed 21715711 (cited by Labcorp Genetics (formerly Invitae), Labcorp); PubMed 23781337 (cited by Labcorp Genetics (formerly Invitae), Labcorp); PubMed 26955893 (cited by Labcorp Genetics (formerly Invitae), Labcorp).